The following is an entry in ClinVar:

ClinVar aggregate classification (germline): Uncertain significance (1 of 4 stars; one submission).

Allele frequency attached by ClinVar (database versions not stated): gnomAD exomes below 0.00001.
gnomAD v4.1: 1 of 518,077 alleles (0.00019%); highest among the groups gnomAD compares: Non-Finnish European, 0.00035%; no homozygotes.

Submission:

CeGaT Center for Human Genetics Tuebingen
Classification: Uncertain significance. Last evaluated: 2023-04-01. Review status: criteria provided, single submitter. Criteria: CeGaT Center For Human Genetics Tuebingen Variant Classification Criteria Version 2. Collection method: clinical testing. Allele origin: germline. Affected: yes. Observed: 1 variant allele.
Comment: ZIC3: PM2, BP4

NM_001330661.1(ZIC3):c.1367T>A (p.Ile456Asn)

Gene: ZIC3 (Zic family zinc finger 3; plus strand). Cytogenetic location: Xq26.3.
Variant type: single nucleotide variant.
Coding change: c.1367T>A on transcript NM_001330661.1; coding-DNA position 1367, T replaced by A.
Protein change: p.Ile456Asn; replaces isoleucine 456 with asparagine.
Molecular consequence: missense variant.
Genome position (GRCh38, 1-based): chrX:137,577,264, T>A. VCF-style: chrX-137577264-T-A. GRCh37 (hg19) VCF-style: chrX-136659423-T-A.
Other names: short protein forms I456N.
Identifiers: ClinVar variation 2661529 (VCV002661529.22), dbSNP rs2521170790, ClinGen allele CA414772474.